The following is an entry in ClinVar:

ClinVar aggregate classification (germline): Uncertain significance (1 of 4 stars; one submission).

Conditions:
Cardiovascular phenotype. Identifiers: MedGen CN230736.

Submission:

Ambry Genetics
Classification: Uncertain significance for Cardiovascular phenotype. Last evaluated: 2025-05-15. Review status: criteria provided, single submitter. Criteria: Ambry Variant Classification Scheme 2023. Collection method: clinical testing. Allele origin: germline.
Comment: The p.S1145R variant (also known as c.3433A>C), located in coding exon 9 of the AKAP9 gene, results from an A to C substitution at nucleotide position 3433. The serine at codon 1145 is replaced by arginine, an amino acid with dissimilar properties. This amino acid position is conserved. In addition, this alteration is predicted to be tolerated by in silico analysis. Based on the available evidence, the clinical significance of this variant remains unclear.

NM_005751.5(AKAP9):c.3433A>C (p.Ser1145Arg)

Gene: AKAP9 (A-kinase anchoring protein 9; plus strand). Cytogenetic location: 7q21.2.
Variant type: single nucleotide variant.
Coding change: c.3433A>C on transcript NM_005751.5 (MANE Select); coding-DNA position 3433, A replaced by C.
Protein change: p.Ser1145Arg; replaces serine 1145 with arginine.
Molecular consequence: missense variant.
Genome position (GRCh38, 1-based): chr7:92,012,543, A>C. VCF-style: chr7-92012543-A-C. GRCh37 (hg19) VCF-style: chr7-91641857-A-C.
Other names: c.3433A>C, p.Ser1145Arg (NM_147185.3); short protein forms S1145R.
Identifiers: ClinVar variation 4034025 (VCV004034025.1).